The following is an entry in ClinVar:

ClinVar aggregate classification (germline): Uncertain significance (1 of 4 stars; one submission).

Submission:

Labcorp Genetics (formerly Invitae), Labcorp
Classification: Uncertain significance. Last evaluated: 2023-12-11. Review status: criteria provided, single submitter. Criteria: Invitae Variant Classification Sherloc (09022015). Collection method: clinical testing. Allele origin: germline.
Comment: This sequence change replaces serine, which is neutral and polar, with phenylalanine, which is neutral and non-polar, at codon 1249 of the EPRS protein (p.Ser1249Phe). This variant is not present in population databases (gnomAD no frequency). This variant has not been reported in the literature in individuals affected with EPRS-related conditions. ClinVar contains an entry for this variant (Variation ID: 1939217). An algorithm developed to predict the effect of missense changes on protein structure and function (PolyPhen-2) suggests that this variant is likely to be disruptive. In summary, the available evidence is currently insufficient to determine the role of this variant in disease. Therefore, it has been classified as a Variant of Uncertain Significance.

NM_004446.3(EPRS1):c.3746C>T (p.Ser1249Phe)

Gene: EPRS1 (glutamyl-prolyl-tRNA synthetase 1; minus strand). Cytogenetic location: 1q41.
Variant type: single nucleotide variant.
Coding change: c.3746C>T on transcript NM_004446.3 (MANE Select); coding-DNA position 3746, C replaced by T.
Protein change: p.Ser1249Phe; replaces serine 1249 with phenylalanine.
Molecular consequence: missense variant.
Genome position (GRCh38, 1-based): chr1:219,979,581, G>A on the plus strand (C>T on the coding strand, the complement: EPRS1 is on the minus strand). VCF-style: chr1-219979581-G-A. GRCh37 (hg19) VCF-style: chr1-220152923-G-A.
Other names: short protein forms S1249F.
Identifiers: ClinVar variation 1939217 (VCV001939217.5), dbSNP rs1660695024, ClinGen allele CA344632714.